The following is an entry in ClinVar:

ClinVar aggregate classification (germline): Uncertain significance (1 of 4 stars; one submission).

Conditions:
Fibrous dysplasia of jaw (CRBM). Also called: Cherubism. Identifiers: Orphanet 184, MedGen C0008029, MONDO:0007315, OMIM 118400.

Allele frequency attached by ClinVar (database versions not stated): gnomAD exomes below 0.00001; gnomAD 0.00001; TOPMed 0.00003.
gnomAD v4.1: 6 of 1,568,546 alleles (0.00038%); highest among the groups gnomAD compares: Admixed American, 0.0037%; no homozygotes.

Submission:

Labcorp Genetics (formerly Invitae), Labcorp
Classification: Uncertain significance for Fibrous dysplasia of jaw. Last evaluated: 2024-03-07. Review status: criteria provided, single submitter. Criteria: Invitae Variant Classification Sherloc (09022015). Collection method: clinical testing. Allele origin: germline.
Comment: This sequence change replaces arginine, which is basic and polar, with threonine, which is neutral and polar, at codon 561 of the SH3BP2 protein (p.Arg561Thr). This variant is not present in population databases (gnomAD no frequency). This variant has not been reported in the literature in individuals affected with SH3BP2-related conditions. Advanced modeling of protein sequence and biophysical properties (such as structural, functional, and spatial information, amino acid conservation, physicochemical variation, residue mobility, and thermodynamic stability) performed at Invitae indicates that this missense variant is not expected to disrupt SH3BP2 protein function with a negative predictive value of 80%. Algorithms developed to predict the effect of sequence changes on RNA splicing suggest that this variant may create or strengthen a splice site. In summary, the available evidence is currently insufficient to determine the role of this variant in disease. Therefore, it has been classified as a Variant of Uncertain Significance.

NM_001122681.2(SH3BP2):c.1682G>C (p.Arg561Thr)

Gene: SH3BP2 (SH3 domain binding protein 2; plus strand). Cytogenetic location: 4p16.3.
Variant type: single nucleotide variant.
Coding change: c.1682G>C on transcript NM_001122681.2 (MANE Select); coding-DNA position 1682, G replaced by C.
Protein change: p.Arg561Thr; replaces arginine 561 with threonine.
Molecular consequence: missense variant.
Genome position (GRCh38, 1-based): chr4:2,833,830, G>C. VCF-style: chr4-2833830-G-C. GRCh37 (hg19) VCF-style: chr4-2835557-G-C.
Other names: c.1766G>C, p.Arg589Thr (NM_001145855.2); c.1853G>C, p.Arg618Thr (NM_001145856.2); c.1682G>C, p.Arg561Thr (NM_003023.4); short protein forms R561T, R618T, R589T.
Identifiers: ClinVar variation 2905640 (VCV002905640.3), dbSNP rs1725135863, ClinGen allele CA356059994.